The following is an entry in ClinVar:

NM_004187.5(KDM5C):c.3058C>T (p.Gln1020Ter)

Gene: KDM5C (lysine demethylase 5C; minus strand). Cytogenetic location: Xp11.22.
Variant type: single nucleotide variant.
Coding change: c.3058C>T on transcript NM_004187.5 (MANE Select); coding-DNA position 3058, C replaced by T.
Protein change: p.Gln1020Ter; replaces glutamine 1020 with a stop codon.
Molecular consequence: nonsense. On other transcripts: non-coding transcript variant (3).
Genome position (GRCh38, 1-based): chrX:53,195,978, G>A on the plus strand (C>T on the coding strand, the complement: KDM5C is on the minus strand). VCF-style: chrX-53195978-G-A. GRCh37 (hg19) VCF-style: chrX-53225160-G-A.
Other names: c.2857C>T, p.Gln953Ter (NM_001146702.2); c.3055C>T, p.Gln1019Ter (NM_001282622.3, NM_001353979.2, NM_001353982.2); c.3058C>T, p.Gln1020Ter (NM_001353978.3, NM_001353981.2, NM_001353984.2); short protein forms Q1020*, Q1019*, Q953*.
Identifiers: ClinVar variation 489301 (VCV000489301.6), dbSNP rs1556836399, ClinGen allele CA413111449.
Genomic context (GRCh38, chrX:53,195,978, plus strand): 5'-GGATCTCATCAACATCAGCAATCCAGGCCCGGGCCTTAGCAAGAGCCTCCTTGAGAGCCT[G>A]GATGTTGGGCAGGTGAACAGGGATGTTTTCCGCTTCACGGATTATGGCCTCAAGTGTGGC-3'

ClinVar aggregate classification (germline): Pathogenic. Review status: criteria provided, multiple submitters, no conflicts (2 of 4 stars). 3 submissions from 3 submitters: Pathogenic (3). Last evaluated 2023-07-17.

Conditions:
Inborn genetic diseases. Identifiers: MedGen C0950123, MeSH D030342.
Intellectual developmental disorder, X-linked, syndromic, Claes-Jensen type. Also called: INTELLECTUAL DEVELOPMENTAL DISORDER, X-LINKED, SYNDROMIC 16; MENTAL RETARDATION, X-LINKED, SYNDROMIC 16; Syndromic X-linked intellectual disability Claes-Jensen type. Identifiers: Orphanet 85279, MedGen C1845243, MONDO:0010355, OMIM 300534.

Submissions (3):

Victorian Clinical Genetics Services, Murdoch Childrens Research Institute
Classification: Pathogenic for Intellectual developmental disorder, X-linked, syndromic, Claes-Jensen type. Last evaluated: 2023-07-17. Review status: criteria provided, single submitter. Criteria: ACMG Guidelines, 2015. Collection method: clinical testing. Allele origin: germline. Inheritance: X-linked recessive inheritance. Affected: yes.
Comment: Based on the classification scheme VCGS_Germline_v1.3.4, this variant is classified as Pathogenic. Following criteria are met: 0102 - Loss of function is a known mechanism of disease in this gene and is associated with intellectual developmental disorder, X-linked syndromic, Claes-Jensen type (MIM#300534). (I) 0109 - This gene is associated with X-linked recessive disease. However, mildly affected heterozygous females have been reported (OMIM). (I) 0115 - Variants in this gene are known to have variable expressivity, where intrafamilial and interfamillial variability have been reported (PMID: 16541399). (I) 0201 - Variant is predicted to cause nonsense-mediated decay (NMD) and loss of protein (premature termination codon is located at least 54 nucleotides upstream of the final exon-exon junction). (SP) 0253 - This variant is hemizygous. (I) 0301 - Variant is absent from gnomAD (both v2 and v3). (SP) 0701 - Other NMD-predicted variants comparable to the one identified in this case have very strong previous evidence for pathogenicity (ClinVar). (SP) 0803 - This variant has limited previous evidence of pathogenicity in unrelated individuals. This variant has been classified as pathogenic by two clinical laboratories in ClinVar. (SP) 0905 - No published segregation evidence has been identified for this variant. (I) 1007 - No published functional evidence has been identified for this variant. (I) Legend: (SP) - Supporting pathogenic, (I) - Information, (SB) - Supporting benign

GeneDx
Classification: Pathogenic. Last evaluated: 2017-12-26. Review status: criteria provided, single submitter. Criteria: GeneDx Variant Classification (06012015). Collection method: clinical testing. Allele origin: germline. Affected: yes.
Comment: The Q1020X variant in the KDM5C gene has not been reported previously as a pathogenic variant nor as a benign variant, to our knowledge. This variant is predicted to cause loss of normal protein function either through protein truncation or nonsense-mediated mRNA decay. The Q1020X variant is not observed in large population cohorts (Lek et al., 2016). We interpret Q1020X as a pathogenic variant that is consistent with the clinical features reported in this individual.

Ambry Genetics
Classification: Pathogenic for Inborn genetic diseases. Last evaluated: 2017-06-06. Review status: criteria provided, single submitter. Criteria: Ambry exome assertion method (8-5-2015). Collection method: clinical testing. Allele origin: germline. Affected: yes. Observed: 1 variant allele.

Literature cited by the submitters: PubMed 16541399 (cited by Victorian Clinical Genetics Services, Murdoch Childrens Research Institute).